The following is an entry in ClinVar:

NM_001127222.2(CACNA1A):c.1851G>C (p.Leu617Phe)

Gene: CACNA1A (calcium voltage-gated channel subunit alpha1 A; minus strand). Cytogenetic location: 19p13.13.
Variant type: single nucleotide variant.
Coding change: c.1851G>C on transcript NM_001127222.2 (MANE Select); coding-DNA position 1851, G replaced by C.
Protein change: p.Leu617Phe; replaces leucine 617 with phenylalanine.
Molecular consequence: missense variant.
Genome position (GRCh38, 1-based): chr19:13,308,182, C>G on the plus strand (G>C on the coding strand, the complement: CACNA1A is on the minus strand). VCF-style: chr19-13308182-C-G. GRCh37 (hg19) VCF-style: chr19-13418996-C-G.
Other names: c.1854G>C, p.Leu618Phe (NM_000068.4, NM_001127221.2, NM_001174080.2 and 1 more transcripts); short protein forms L618F, L617F.
Identifiers: ClinVar variation 2692426 (VCV002692426.1), dbSNP rs2512947884, ClinGen allele CA404344848.

ClinVar aggregate classification (germline): Pathogenic (1 of 4 stars; one submission).

Conditions:
Developmental and epileptic encephalopathy, 42 (DEE42A). Also called: Epileptic encephalopathy, early infantile, 42; EPILEPTIC ENCEPHALOPATHY, EARLY INFANTILE, 42A; DEVELOPMENTAL AND EPILEPTIC ENCEPHALOPATHY 42A. Identifiers: MedGen C4310716, MONDO:0014917, OMIM 617106.

Submission:

Institute of Human Genetics, FAU Erlangen, Friedrich-Alexander-Universität Erlangen-Nürnberg
Classification: Pathogenic for Developmental and epileptic encephalopathy, 42. Last evaluated: 2024-02-09. Review status: criteria provided, single submitter. Criteria: Hauer et al. (Genet Med. 2018). Collection method: clinical testing. Allele origin: germline. Inheritance: Autosomal dominant inheritance. Affected: yes. Observed: 1 variant allele.
Comment: This variant has been identified by standard clinical testing. de novo.